The following is an entry in ClinVar:

ClinVar aggregate classification (germline): Uncertain significance (1 of 4 stars; one submission).

Conditions:
Early-infantile DEE. Also called: Ohtahara syndrome; Early infantile epileptic encephalopathy with suppression bursts; Early infantile epileptic encephalopathy. Identifiers: Orphanet 1934, MedGen C0393706, MONDO:0800491.

Submission:

Labcorp Genetics (formerly Invitae), Labcorp
Classification: Uncertain significance for Early-infantile DEE. Last evaluated: 2025-09-23. Review status: criteria provided, single submitter. Criteria: Invitae Variant Classification Sherloc (09022015). Collection method: clinical testing. Allele origin: germline.
Comment: This sequence change falls in intron 20 of the SCN1A gene. It does not directly change the encoded amino acid sequence of the SCN1A protein. However, this sequence change falls within a region encompassing a cryptic exon in the SCN1A gene, in which variants have been shown to alter splicing (PMID: 30526861, 34107977). This variant is not present in population databases (gnomAD no frequency). This variant has been observed in individual(s) with clinical features of SCN1A-related conditions (internal data). ClinVar contains an entry for this variant (Variation ID: 3676349). Algorithms developed to predict the effect of sequence changes on RNA splicing suggest that this variant is not likely to affect RNA splicing. In summary, the available evidence is currently insufficient to determine the role of this variant in disease. Therefore, it has been classified as a Variant of Uncertain Significance.

Literature cited by the submitters: PubMed 30526861; PubMed 34107977.

NM_001165963.4(SCN1A):c.4002+2477C>A

Genes: SCN1A (sodium voltage-gated channel alpha subunit 1; minus strand), LOC102724058 (uncharacterized LOC102724058; plus strand). Cytogenetic location: 2q24.3.
Variant type: single nucleotide variant.
Coding change: c.4002+2477C>A on transcript NM_001165963.4 (MANE Select); 2477 bases into the intron after coding-DNA position 4002, C replaced by A.
Molecular consequence: intron variant. On other transcripts: non-coding transcript variant (1).
Genome position (GRCh38, 1-based): chr2:166,007,242, G>T on the plus strand (C>A on the coding strand, the complement: SCN1A is on the minus strand). VCF-style: chr2-166007242-G-T. GRCh37 (hg19) VCF-style: chr2-166863752-G-T.
Other names: c.3969+2477C>A (NM_001353949.2, NM_001353950.2, NM_001353951.2 and 2 more transcripts); c.3918+2477C>A (NM_001353958.2, NM_001353957.2, NM_001165964.3); c.4002+2477C>A (NM_001202435.3, NM_001353948.2); c.3966+2477C>A (NM_001353955.2, NM_001353954.2); c.3915+2477C>A (NM_001353960.2); c.1560+2477C>A (NM_001353961.2).
Identifiers: ClinVar variation 3676349 (VCV003676349.2).